The following is an entry in ClinVar:

NM_002880.4(RAF1):c.1669-14T>C

Gene: RAF1 (Raf-1 proto-oncogene, serine/threonine kinase; minus strand). Cytogenetic location: 3p25.2.
Variant type: single nucleotide variant.
Coding change: c.1669-14T>C on transcript NM_002880.4 (MANE Select); 14 bases into the intron before coding-DNA position 1669, T replaced by C.
Molecular consequence: intron variant.
Genome position (GRCh38, 1-based): chr3:12,584,995, A>G on the plus strand (T>C on the coding strand, the complement: RAF1 is on the minus strand). VCF-style: chr3-12584995-A-G. GRCh37 (hg19) VCF-style: chr3-12626494-A-G.
Other names: c.1327-14T>C (NM_001354695.3); c.1426-14T>C (NM_001354692.3, NM_001354691.3); c.1486-14T>C (NM_001354694.3); c.1570-14T>C (NM_001354693.3); c.1729-14T>C (NM_001354689.3); c.1669-14T>C (NM_001354690.3).
Identifiers: ClinVar variation 511145 (VCV000511145.3), dbSNP rs1260935888, ClinGen allele CA541675190.
Genomic context (GRCh38, chr3:12,584,995, plus strand): 5'-TTACTAAGATCTGGGGAGGCATATCCTCGGCCCACCATGAAGATGATCTAAGGGAAAGAA[A>G]ACAGCTGAGCTAATGGGGGGTGAATGAACAACAGATAATAACAAGTCCTAACCCTCTAGC-3'

ClinVar aggregate classification (germline): Likely benign. Review status: criteria provided, multiple submitters, no conflicts (2 of 4 stars). 3 submissions from 3 submitters: Likely benign (3). Last evaluated 2025-08-11.

Conditions:
RASopathy. Also called: rasopathies; Noonan spectrum disorder. Identifiers: Orphanet 536391, MedGen C5555857, MONDO:0021060.

Allele frequency attached by ClinVar (database versions not stated): gnomAD exomes below 0.00001 and 0.00001; gnomAD 0.00002; TOPMed 0.00002.
gnomAD v4.1: 6 of 1,614,012 alleles (0.00037%); highest among the groups gnomAD compares: Non-Finnish European, 0.00051%; no homozygotes.

Submissions (3):

Labcorp Genetics (formerly Invitae), Labcorp
Classification: Likely benign for RASopathy. Last evaluated: 2025-08-11. Review status: criteria provided, single submitter. Criteria: Invitae Variant Classification Sherloc (09022015). Collection method: clinical testing. Allele origin: germline.

Blueprint Genetics
Classification: Likely benign. Last evaluated: 2022-06-22. Review status: criteria provided, single submitter. Criteria: ACMG Guidelines, 2015. Collection method: clinical testing. Allele origin: germline.

GeneDx
Classification: Likely benign. Last evaluated: 2017-03-22. Review status: criteria provided, single submitter. Criteria: GeneDx Variant Classification (06012015). Collection method: clinical testing. Allele origin: germline. Affected: yes.
Comment: This variant is considered likely benign or benign based on one or more of the following criteria: it is a conservative change, it occurs at a poorly conserved position in the protein, it is predicted to be benign by multiple in silico algorithms, and/or has population frequency not consistent with disease.